The following is an entry in ClinVar:

NM_001100.4(ACTA1):c.453C>A (p.Thr151=)

Gene: ACTA1 (actin alpha 1, skeletal muscle; minus strand). Cytogenetic location: 1q42.13.
Variant type: single nucleotide variant.
Coding change: c.453C>A on transcript NM_001100.4 (MANE Select); coding-DNA position 453, C replaced by A.
Protein change: p.Thr151=; no amino-acid change (threonine 151 retained).
Molecular consequence: synonymous variant.
Genome position (GRCh38, 1-based): chr1:229,432,557, G>T on the plus strand (C>A on the coding strand, the complement: ACTA1 is on the minus strand). VCF-style: chr1-229432557-G-T. GRCh37 (hg19) VCF-style: chr1-229568304-G-T.
Other names: p.Thr151=.
Identifiers: ClinVar variation 257445 (VCV000257445.20), dbSNP rs76030344, ClinGen allele CA1442879.

ClinVar aggregate classification (germline): Benign/Likely benign. Review status: criteria provided, multiple submitters, no conflicts (2 of 4 stars). 10 submissions from 8 submitters: Benign (7); Likely benign (3). Last evaluated 2026-02-01.

Conditions:
Familial restrictive cardiomyopathy (RCM). Identifiers: Orphanet 217635, MedGen C0340429, MONDO:0016340.
Actin accumulation myopathy (CMYO2A). Also called: Myopathy, actin, congenital, with cores; Nemaline myopathy 3, with intranuclear rods; CONGENITAL MYOPATHY 2A, TYPICAL, AUTOSOMAL DOMINANT; Nemaline myopathy type 3; Myopathy, actin, congenital, with excess of thin myofilaments. Identifiers: Orphanet 98904, MedGen C3711389, MONDO:0008070, OMIM 161800.
Progressive scapulohumeroperoneal distal myopathy. Also called: Myopathy, scapulohumeroperoneal. Identifiers: Orphanet 447977, MedGen C4225181, MONDO:0014800, OMIM 616852.
Congenital myopathy with fiber type disproportion. Also called: Congenital fiber-type disproportion myopathy; Congenital fiber-type disproportion. Identifiers: Orphanet 2020, MedGen C0546264, MONDO:0009711. Inheritance: all.

Allele frequency attached by ClinVar (database versions not stated): 1000 Genomes Project 30x 0.00843; gnomAD 0.00904; TOPMed 0.01147; 1000 Genomes Project 0.00839; ESP Exome Variant Server 0.01224.
gnomAD v4.1: 2,802 of 1,609,510 alleles (0.17%); highest among the groups gnomAD compares: African/African-American, 3.3%; 48 homozygotes.

Submissions (10):

Labcorp Genetics (formerly Invitae), Labcorp
Classification: Benign for Actin accumulation myopathy. Last evaluated: 2026-02-01. Review status: criteria provided, single submitter. Criteria: Invitae Variant Classification Sherloc (09022015). Collection method: clinical testing. Allele origin: germline.

Fulgent Genetics
Classification: Likely benign for Actin accumulation myopathy; Congenital myopathy 4A, autosomal dominant; Progressive scapulohumeroperoneal distal myopathy. Last evaluated: 2021-08-27. Review status: criteria provided, single submitter. Criteria: ACMG Guidelines, 2015. Collection method: clinical testing. Allele origin: unknown.

Athena Diagnostics
Classification: Benign. Last evaluated: 2018-11-20. Review status: criteria provided, single submitter. Criteria: Athena Diagnostics Criteria. Collection method: clinical testing. Allele origin: germline.

Mayo Clinic Laboratories, Mayo Clinic
Classification: Benign. Last evaluated: 2018-10-12. Review status: criteria provided, single submitter. Criteria: ACMG Guidelines, 2015. Collection method: clinical testing. Allele origin: germline. Observed: 5 variant alleles.

Illumina Laboratory Services, Illumina
Classification: Likely benign for Familial restrictive cardiomyopathy. Last evaluated: 2018-01-12. Review status: criteria provided, single submitter. Criteria: ICSL Variant Classification Criteria 13 December 2019. Collection method: clinical testing. Allele origin: germline.
Comment: This variant was observed in the ICSL laboratory as part of a predisposition screen in an ostensibly healthy population. It had not been previously curated by ICSL or reported in the Human Gene Mutation Database (HGMD: prior to June 1st, 2018), and was therefore a candidate for classification through an automated scoring system. Utilizing variant allele frequency, disease prevalence and penetrance estimates, and inheritance mode, an automated score was calculated to assess if this variant is too frequent to cause the disease. Based on the score and internal cut-off values, a variant classified as likely benign is not then subjected to further curation. The score for this variant resulted in a classification of likely benign for this disease.

Illumina Laboratory Services, Illumina
Classification: Benign for Congenital myopathy 4A, autosomal dominant. Last evaluated: 2018-01-12. Review status: criteria provided, single submitter. Criteria: ICSL Variant Classification Criteria 13 December 2019. Collection method: clinical testing. Allele origin: germline.
Comment: This variant was observed in the ICSL laboratory as part of a predisposition screen in an ostensibly healthy population. It had not been previously curated by ICSL or reported in the Human Gene Mutation Database (HGMD: prior to June 1st, 2018), and was therefore a candidate for classification through an automated scoring system. Utilizing variant allele frequency, disease prevalence and penetrance estimates, and inheritance mode, an automated score was calculated to assess if this variant is too frequent to cause the disease. Based on the score and internal cut-off values, a variant classified as benign is not then subjected to further curation. The score for this variant resulted in a classification of benign for this disease.

Illumina Laboratory Services, Illumina
Classification: Benign for Actin accumulation myopathy. Last evaluated: 2018-01-12. Review status: criteria provided, single submitter. Criteria: ICSL Variant Classification Criteria 13 December 2019. Collection method: clinical testing. Allele origin: germline.
Comment: the same text as in the submission from Illumina Laboratory Services, Illumina above.

GeneDx
Classification: Benign. Last evaluated: 2016-05-19. Review status: criteria provided, single submitter. Criteria: GeneDx Variant Classification (06012015). Collection method: clinical testing. Allele origin: germline. Affected: yes.
Comment: This variant is considered likely benign or benign based on one or more of the following criteria: it is a conservative change, it occurs at a poorly conserved position in the protein, it is predicted to be benign by multiple in silico algorithms, and/or has population frequency not consistent with disease.

Breakthrough Genomics
Classification: Likely benign. Review status: criteria provided, single submitter. Criteria: ACMG Guidelines, 2015. Collection method: not provided. Allele origin: germline. Inheritance: Autosomal recessive inheritance. Affected: yes.

PreventionGenetics, part of Exact Sciences
Classification: Benign. Review status: criteria provided, single submitter. Criteria: ACMG Guidelines, 2015. Collection method: clinical testing. Allele origin: germline.

Literature cited by the submitters: PubMed 10528865 (cited by Athena Diagnostics); PubMed 19562689 (cited by Athena Diagnostics).